The following is an entry in ClinVar:

NM_032119.4(ADGRV1):c.2459A>G (p.Asn820Ser)

Gene: ADGRV1 (adhesion G protein-coupled receptor V1; plus strand). Cytogenetic location: 5q14.3.
Variant type: single nucleotide variant.
Coding change: c.2459A>G on transcript NM_032119.4 (MANE Select); coding-DNA position 2459, A replaced by G.
Protein change: p.Asn820Ser; replaces asparagine 820 with serine.
Molecular consequence: missense variant. On other transcripts: non-coding transcript variant (1).
Genome position (GRCh38, 1-based): chr5:90,642,947, A>G. VCF-style: chr5-90642947-A-G. GRCh37 (hg19) VCF-style: chr5-89938764-A-G.
Other names: short protein forms N820S.
Identifiers: ClinVar variation 227404 (VCV000227404.23), dbSNP rs144918959, ClinGen allele CA3338934.

ClinVar aggregate classification (germline): Conflicting classifications of pathogenicity. Review status: criteria provided, conflicting classifications (1 of 4 stars). 6 submissions from 6 submitters: Uncertain significance (1); Likely benign (4). 1 of the submissions does not count toward it. Last evaluated 2026-01-28.

Conditions:
ADGRV1-related disorder. Also called: ADGRV1-related condition; ADGRV1-related disorders.

Allele frequency attached by ClinVar (database versions not stated): gnomAD exomes 0.00007 and 0.00013; ExAC 0.00021; ESP Exome Variant Server 0.00059; gnomAD 0.00064; TOPMed 0.00068; 1000 Genomes Project 0.00080; 1000 Genomes Project 30x 0.00109.
gnomAD v4.1: 208 of 1,613,628 alleles (0.013%); highest among the groups gnomAD compares: African/African-American, 0.22%; 1 homozygote.

Submissions (6):

Labcorp Genetics (formerly Invitae), Labcorp
Classification: Likely benign. Last evaluated: 2026-01-28. Review status: criteria provided, single submitter. Criteria: Invitae Variant Classification Sherloc (09022015). Collection method: clinical testing. Allele origin: germline.

Blueprint Genetics
Classification: Likely benign. Last evaluated: 2024-07-14. Review status: criteria provided, single submitter. Criteria: ACMG Guidelines, 2015. Collection method: clinical testing. Allele origin: germline.

GeneDx
Classification: Likely benign. Last evaluated: 2018-09-18. Review status: criteria provided, single submitter. Criteria: GeneDx Variant Classification Process June 2021. Collection method: clinical testing. Allele origin: germline. Affected: yes.

Eurofins Ntd Llc (ga)
Classification: Uncertain significance. Last evaluated: 2018-07-03. Review status: criteria provided, single submitter. Criteria: EGL ClinVar v180209 classification definitions. Collection method: clinical testing. Allele origin: germline. Observed: 2 variant alleles, 2 heterozygotes.

Laboratory for Molecular Medicine, Mass General Brigham Personalized Medicine
Classification: Likely benign. Last evaluated: 2016-01-03. Review status: criteria provided, single submitter. Criteria: LMM Criteria. Collection method: clinical testing. Allele origin: germline. Observed: 3 variant alleles.
Comment: p.Asn820Ser in exon 13 of GPR98: This variant is not expected to have clinical s ignificance due to a lack of conservation across species, including mammals. Of note, four mammals have a Serine (Ser) at this position. In addition, it has bee n identified in 24/9798 (0.24%) of African chromosomes by the Exome Aggregation Consortium (ExAC;dbSNP rs144918959).

PreventionGenetics, part of Exact Sciences
Classification: Likely benign for ADGRV1-related condition. Last evaluated: 2024-08-21. Review status: no assertion criteria provided. Collection method: clinical testing. Allele origin: germline. Not counted in ClinVar's aggregate classification.
Comment: This variant is classified as likely benign based on ACMG/AMP sequence variant interpretation guidelines (Richards et al. 2015 PMID: 25741868, with internal and published modifications).